The following is an entry in ClinVar:

NM_024800.5(NEK11):c.639G>A (p.Ser213=)

Gene: NEK11 (NIMA related kinase 11; plus strand). Cytogenetic location: 3q22.1.
Variant type: single nucleotide variant.
Coding change: c.639G>A on transcript NM_024800.5 (MANE Select); coding-DNA position 639, G replaced by A.
Protein change: p.Ser213=; no amino-acid change (serine 213 retained).
Molecular consequence: synonymous variant. On other transcripts: intron variant (1).
Genome position (GRCh38, 1-based): chr3:131,133,948, G>A. VCF-style: chr3-131133948-G-A. GRCh37 (hg19) VCF-style: chr3-130852792-G-A.
Other names: NC_000003.11:g.130852792G>A; c.639G>A, p.Ser213= (NM_001146003.2, NM_001321220.2, NM_001321222.2 and 12 more transcripts); c.765G>A, p.Ser255= (NM_001321221.2, NM_001353022.2, NM_001353026.2); c.195G>A, p.Ser65= (NM_001321224.2, NM_001353038.2, NM_001353039.2 and 6 more transcripts); c.636G>A, p.Ser212= (NM_001353024.2, NM_001353025.2); c.321G>A, p.Ser107= (NM_001353033.2, NM_001353034.2); c.456-18440G>A (NM_001353036.2).
Identifiers: ClinVar variation 2654151 (VCV002654151.25), dbSNP rs138742765, ClinGen allele CA2616104.

ClinVar aggregate classification (germline): Likely benign (1 of 4 stars; one submission).

Allele frequency attached by ClinVar (database versions not stated): 1000 Genomes Project 30x 0.00047; 1000 Genomes Project 0.00060; TOPMed 0.00108; gnomAD 0.00128; gnomAD exomes 0.00140; ESP Exome Variant Server 0.00154; ExAC 0.00197.
gnomAD v4.1: 2,231 of 1,607,726 alleles (0.14%); highest among the groups gnomAD compares: Middle Eastern, 0.48%; 7 homozygotes.

Submissions (11):

CeGaT Center for Human Genetics Tuebingen
Classification: Likely benign. Last evaluated: 2022-11-01. Review status: criteria provided, single submitter. Criteria: CeGaT Center For Human Genetics Tuebingen Variant Classification Criteria Version 2. Collection method: clinical testing. Allele origin: germline. Affected: yes. Observed: 1 variant allele.
Comment: NEK11: BP4, BP7, BS2

Dr. Peter K. Rogan Lab, Western University
No classification provided (evidence only). Condition: Clear cell carcinoma of kidney. Review status: no classification provided. Collection method: in vitro. Allele origin: not applicable. Functional consequence: retained intron. Not counted in ClinVar's aggregate classification.

Dr. Peter K. Rogan Lab, Western University
No classification provided (evidence only). Condition: Clear cell carcinoma of kidney. Review status: no classification provided. Collection method: in vitro. Allele origin: not applicable. Functional consequence: retained intron. Not counted in ClinVar's aggregate classification.

Dr. Peter K. Rogan Lab, Western University
No classification provided (evidence only). Condition: Familial cancer of breast. Review status: no classification provided. Collection method: in vitro. Allele origin: not applicable. Functional consequence: retained intron. Not counted in ClinVar's aggregate classification.

Dr. Peter K. Rogan Lab, Western University
No classification provided (evidence only). Condition: Familial cancer of breast. Review status: no classification provided. Collection method: in vitro. Allele origin: not applicable. Functional consequence: retained intron. Not counted in ClinVar's aggregate classification.

Dr. Peter K. Rogan Lab, Western University
No classification provided (evidence only). Condition: Thyroid cancer, nonmedullary, 1. Review status: no classification provided. Collection method: in vitro. Allele origin: not applicable. Functional consequence: retained intron. Not counted in ClinVar's aggregate classification.

Dr. Peter K. Rogan Lab, Western University
No classification provided (evidence only). Condition: Sarcoma. Review status: no classification provided. Collection method: in vitro. Allele origin: not applicable. Functional consequence: retained intron. Not counted in ClinVar's aggregate classification.

Dr. Peter K. Rogan Lab, Western University
No classification provided (evidence only). Condition: Thymoma. Review status: no classification provided. Collection method: in vitro. Allele origin: not applicable. Functional consequence: retained intron. Not counted in ClinVar's aggregate classification.

Dr. Peter K. Rogan Lab, Western University
No classification provided (evidence only). Condition: Ovarian serous cystadenocarcinoma. Review status: no classification provided. Collection method: in vitro. Allele origin: not applicable. Functional consequence: retained intron. Not counted in ClinVar's aggregate classification.

Dr. Peter K. Rogan Lab, Western University
No classification provided (evidence only). Condition: Gastric cancer. Review status: no classification provided. Collection method: in vitro. Allele origin: not applicable. Functional consequence: retained intron. Not counted in ClinVar's aggregate classification.

Dr. Peter K. Rogan Lab, Western University
No classification provided (evidence only). Condition: Gastric cancer. Review status: no classification provided. Collection method: in vitro. Allele origin: not applicable. Functional consequence: retained intron. Not counted in ClinVar's aggregate classification.